The following is an entry in ClinVar:

ClinVar aggregate classification (germline): Conflicting classifications of pathogenicity. Review status: criteria provided, conflicting classifications (1 of 4 stars). 4 submissions from 4 submitters: Uncertain significance (1); Likely benign (3). Last evaluated 2025-02-26.

Conditions:
Pyruvate kinase deficiency of red cells (CNSHA2). Also called: Pyruvate kinase deficiency, Amish type; PK DEFICIENCY; PYRUVATE KINASE DEFICIENCY OF ERYTHROCYTE. Identifiers: Orphanet 766, MedGen C0340968, MONDO:0009950, OMIM 266200.

Allele frequency attached by ClinVar (database versions not stated): gnomAD 0.00022 and 0.00021; ESP Exome Variant Server 0.00023; gnomAD exomes 0.00044 and 0.00018; ExAC 0.00016; TOPMed 0.00020.
gnomAD v4.1: 655 of 1,614,102 alleles (0.041%); highest among the groups gnomAD compares: Non-Finnish European, 0.053%; 1 homozygote.

Submissions (4):

Mayo Clinic Laboratories, Mayo Clinic
Classification: Likely benign. Last evaluated: 2025-02-26. Review status: criteria provided, single submitter. Criteria: ACMG Guidelines, 2015. Collection method: clinical testing. Allele origin: germline. Observed: 2 variant alleles.
Comment: BP4, BP7

Labcorp Genetics (formerly Invitae), Labcorp
Classification: Likely benign. Last evaluated: 2025-01-20. Review status: criteria provided, single submitter. Criteria: Invitae Variant Classification Sherloc (09022015). Collection method: clinical testing. Allele origin: germline.

Blueprint Genetics
Classification: Likely benign. Last evaluated: 2024-10-14. Review status: criteria provided, single submitter. Criteria: ACMG Guidelines, 2015. Collection method: clinical testing. Allele origin: germline.

Illumina Laboratory Services, Illumina
Classification: Uncertain significance for Pyruvate kinase deficiency of red cells. Last evaluated: 2018-01-13. Review status: criteria provided, single submitter. Criteria: ICSL Variant Classification Criteria 13 December 2019. Collection method: clinical testing. Allele origin: germline.

NM_000298.6(PKLR):c.965+12G>A

Gene: PKLR (pyruvate kinase L/R; minus strand). Cytogenetic location: 1q22.
Variant type: single nucleotide variant.
Coding change: c.965+12G>A on transcript NM_000298.6 (MANE Select); 12 bases into the intron after coding-DNA position 965, G replaced by A.
Molecular consequence: intron variant.
Genome position (GRCh38, 1-based): chr1:155,294,470, C>T on the plus strand (G>A on the coding strand, the complement: PKLR is on the minus strand). VCF-style: chr1-155294470-C-T. GRCh37 (hg19) VCF-style: chr1-155264261-C-T.
Other names: p.?; c.965+12G>A (LRG_1136t1); c.872+12G>A (NM_181871.4).
Identifiers: ClinVar variation 292809 (VCV000292809.10), dbSNP rs200039500, ClinGen allele CA1144165.
Genomic context (GRCh38, chr1:155,294,470, plus strand): 5'-AGAGGCAGGCAGGAGAAGAAAGGTGATGGGGAATAGCGACAGGGCCGAAGGGGAACAGAG[C>T]CCAAGCCTCACCTCTTCACGCCTTCGTGGTTCTCAATTTTGCTGATGATCTTGATGCCGT-3'